The following is an entry in ClinVar:

NM_032638.5(GATA2):c.1230G>T (p.Gly410=)

Gene: GATA2 (GATA binding protein 2; minus strand). Cytogenetic location: 3q21.3.
Variant type: single nucleotide variant.
Coding change: c.1230G>T on transcript NM_032638.5 (MANE Select); coding-DNA position 1230, G replaced by T.
Protein change: p.Gly410=; no amino-acid change (glycine 410 retained).
Molecular consequence: synonymous variant.
Genome position (GRCh38, 1-based): chr3:128,481,232, C>A on the plus strand (G>T on the coding strand, the complement: GATA2 is on the minus strand). VCF-style: chr3-128481232-C-A. GRCh37 (hg19) VCF-style: chr3-128200075-C-A.
Other names: c.1230G>T, p.Gly410= (NM_001145661.2); c.1188G>T, p.Gly396= (NM_001145662.1).
Identifiers: ClinVar variation 539716 (VCV000539716.22), dbSNP rs1461907039, ClinGen allele CA435525004.
Genomic context (GRCh38, chr3:128,481,232, plus strand): 5'-TGCACTGAAGGGGGATGACTTCTCCTGCATGCACTTTGACAGCTCCTCGAAGCACTCCGC[C>A]CCTTTCTTGCTCTTCTTGGACTTGTTGGACATCTTCCGGTTCCGAGTCTGGATCCCTTCC-3'
Protein context (NP_116027.2, residues 400-420): MSNKSKKSKK[Gly410=]AECFEELSKC

ClinVar aggregate classification (germline): Conflicting classifications of pathogenicity. Review status: criteria provided, conflicting classifications (1 of 4 stars). 7 submissions from 7 submitters: Uncertain significance (5); Likely benign (2). Last evaluated 2025-10-06.

Conditions:
Inborn genetic diseases. Identifiers: MedGen C0950123, MeSH D030342.
Deafness-lymphedema-leukemia syndrome. Also called: Lymphedema, primary, with myelodysplasia; Emberger syndrome. Identifiers: Orphanet 3226, MedGen C3279664, MONDO:0013540, OMIM 614038.
Monocytopenia with susceptibility to infections. Also called: MONOCYTOPENIA AND MYCOBACTERIAL INFECTION SYNDROME; MONOCYTOPENIA WITH SUSCEPTIBILITY TO MYCOBACTERIAL, FUNGAL, AND PAPILLOMAVIRUS INFECTIONS AND MYELODYSPLASIA; COMBINED IMMUNODEFICIENCY WITH SUSCEPTIBILITY TO MYCOBACTERIAL, VIRAL, AND FUNGAL INFECTIONS; Dendritic cell, monocyte, B lymphocyte, and natural killer lymphocyte deficiency; IMMUNODEFICIENCY 21; GATA2 DEFICIENCY. Identifiers: Orphanet 228423, MedGen C3280030, MONDO:0013607, OMIM 614172.
Hereditary cancer-predisposing syndrome. Also called: Neoplastic Syndromes, Hereditary; Tumor predisposition; Hereditary Cancer Syndrome; Hereditary neoplastic syndrome. Identifiers: Orphanet 140162, MedGen C0027672, MeSH D009386, MONDO:0015356.

Allele frequency attached by ClinVar (database versions not stated): gnomAD exomes below 0.00001; gnomAD 0.00001; TOPMed 0.00001.
gnomAD v4.1: 7 of 1,614,128 alleles (0.00043%); highest among the groups gnomAD compares: East Asian, 0.0067%; no homozygotes.

Submissions (7):

Labcorp Genetics (formerly Invitae), Labcorp
Classification: Likely benign for Monocytopenia with susceptibility to infections; Deafness-lymphedema-leukemia syndrome. Last evaluated: 2025-10-06. Review status: criteria provided, single submitter. Criteria: Invitae Variant Classification Sherloc (09022015). Collection method: clinical testing. Allele origin: germline.

Ambry Genetics
Classification: Likely benign for Inborn genetic diseases. Last evaluated: 2024-11-22. Review status: criteria provided, single submitter. Criteria: Ambry Variant Classification Scheme 2023. Collection method: clinical testing. Allele origin: germline.

Blueprint Genetics
Classification: Uncertain significance. Last evaluated: 2022-12-14. Review status: criteria provided, single submitter. Criteria: ACMG Guidelines, 2015. Collection method: clinical testing. Allele origin: germline.

Sema4
Classification: Uncertain significance for Hereditary cancer-predisposing syndrome. Last evaluated: 2022-01-02. Review status: criteria provided, single submitter. Criteria: Sema4 Curation Guidelines. Collection method: curation. Allele origin: germline.
Comment: The GATA2 c.1230G>T (p.G410=) variant has not been reported in the literature to our knowledge. It was observed in 1/31400 chromosomes in the Genome Aggregation Database. The variant has been reported in ClinVar (Variation ID 539716). In silico tools suggest that this variant may create or strengthen a cryptic donor splice site, though these predictions have not been confirmed by transcriptional studies. The evidence is insufficient to meet ACMG/AMP criteria for classifying the variant as benign or pathogenic. Thus, the clinical significance of this variant is currently uncertain.

Genetic Services Laboratory, University of Chicago
Classification: Uncertain significance. Last evaluated: 2019-01-02. Review status: criteria provided, single submitter. Criteria: ACMG Guidelines, 2015. Collection method: clinical testing. Allele origin: germline. Affected: no.

PreventionGenetics, part of Exact Sciences
Classification: Uncertain significance. Last evaluated: 2018-02-19. Review status: criteria provided, single submitter. Criteria: ACMG Guidelines, 2015. Collection method: clinical testing. Allele origin: germline.

Illumina Laboratory Services, Illumina
Classification: Uncertain significance for Deafness-lymphedema-leukemia syndrome. Last evaluated: 2018-01-12. Review status: criteria provided, single submitter. Criteria: ICSL Variant Classification Criteria 13 December 2019. Collection method: clinical testing. Allele origin: germline.